The following is an entry in ClinVar:

NM_000018.4(ACADVL):c.1182+1G>T

Gene: ACADVL (acyl-CoA dehydrogenase very long chain; plus strand). Cytogenetic location: 17p13.1.
Variant type: single nucleotide variant.
Coding change: c.1182+1G>T on transcript NM_000018.4 (MANE Select); the canonical splice donor site of the intron after coding-DNA position 1182, G replaced by T.
Molecular consequence: splice donor variant.
Genome position (GRCh38, 1-based): chr17:7,223,238, G>T. VCF-style: chr17-7223238-G-T. GRCh37 (hg19) VCF-style: chr17-7126557-G-T.
Other names: c.1251+1G>T (NM_001270447.2); c.954+1G>T (NM_001270448.2); c.1116+1G>T (NM_001033859.3).
Identifiers: ClinVar variation 2750294 (VCV002750294.3), dbSNP rs113690956, ClinGen allele CA287438018.

ClinVar aggregate classification (germline): Pathogenic (1 of 4 stars; one submission).

Conditions:
Very long chain acyl-CoA dehydrogenase deficiency (ACADVLD). Also called: Very Long-Chain Acyl-Coenzyme A Dehydrogenase Deficiency; VLCAD Deficiency. Identifiers: Orphanet 26793, MedGen C3887523, MONDO:0008723, OMIM 201475.

Submission:

Labcorp Genetics (formerly Invitae), Labcorp
Classification: Pathogenic for Very long chain acyl-CoA dehydrogenase deficiency. Last evaluated: 2023-05-30. Review status: criteria provided, single submitter. Criteria: Invitae Variant Classification Sherloc (09022015). Collection method: clinical testing. Allele origin: germline.
Comment: For these reasons, this variant has been classified as Pathogenic. Studies have shown that disruption of this splice site results in skipping of exon 11, but is expected to preserve the integrity of the reading-frame (PMID: 7479827). Studies have shown that disruption of this splice site alters ACADVL gene expression (PMID: 7479827). Disruption of this splice site has been observed in individuals with very long-chain acyl-CoA dehydrogenase deficiency (PMID: 7479827, 27209629). This variant is not present in population databases (gnomAD no frequency). This sequence change affects a donor splice site in intron 11 of the ACADVL gene. RNA analysis indicates that disruption of this splice site induces altered splicing and likely results in a shortened protein product.

Literature cited by the submitters: PubMed 7479827; PubMed 27209629.